The following is an entry in ClinVar:

ClinVar aggregate classification (germline): Uncertain significance (1 of 4 stars; one submission).

Submission:

Labcorp Genetics (formerly Invitae), Labcorp
Classification: Uncertain significance. Last evaluated: 2024-08-19. Review status: criteria provided, single submitter. Criteria: Invitae Variant Classification Sherloc (09022015). Collection method: clinical testing. Allele origin: germline.
Comment: This sequence change replaces tyrosine, which is neutral and polar, with histidine, which is basic and polar, at codon 691 of the LAMC3 protein (p.Tyr691His). This variant is not present in population databases (gnomAD no frequency). This variant has not been reported in the literature in individuals affected with LAMC3-related conditions. ClinVar contains an entry for this variant (Variation ID: 1466811). An algorithm developed to predict the effect of missense changes on protein structure and function (PolyPhen-2) suggests that this variant is likely to be tolerated. In summary, the available evidence is currently insufficient to determine the role of this variant in disease. Therefore, it has been classified as a Variant of Uncertain Significance.

NM_006059.4(LAMC3):c.2071T>C (p.Tyr691His)

Gene: LAMC3 (laminin subunit gamma 3; plus strand). Cytogenetic location: 9q34.12.
Variant type: single nucleotide variant.
Coding change: c.2071T>C on transcript NM_006059.4 (MANE Select); coding-DNA position 2071, T replaced by C.
Protein change: p.Tyr691His; replaces tyrosine 691 with histidine.
Molecular consequence: missense variant.
Genome position (GRCh38, 1-based): chr9:131,057,060, T>C. VCF-style: chr9-131057060-T-C. GRCh37 (hg19) VCF-style: chr9-133932447-T-C.
Other names: short protein forms Y691H.
Identifiers: ClinVar variation 1466811 (VCV001466811.8), dbSNP rs2133291216, ClinGen allele CA375266019.